The following is an entry in ClinVar:

ClinVar aggregate classification (germline): Uncertain significance (1 of 4 stars; one submission).

gnomAD v4.1: 1 of 1,197,328 alleles (0.000084%); highest among the groups gnomAD compares: African/African-American, 0.0018%; no homozygotes.

Submission:

Labcorp Genetics (formerly Invitae), Labcorp
Classification: Uncertain significance. Last evaluated: 2025-04-29. Review status: criteria provided, single submitter. Criteria: Invitae Variant Classification Sherloc (09022015). Collection method: clinical testing. Allele origin: germline.
Comment: This sequence change replaces glutamine, which is neutral and polar, with histidine, which is basic and polar, at codon 494 of the SH3KBP1 protein (p.Gln494His). The frequency data for this variant in the population databases is considered unreliable, as metrics indicate poor data quality at this position in the gnomAD database. This variant has not been reported in the literature in individuals affected with SH3KBP1-related conditions. ClinVar contains an entry for this variant (Variation ID: 3678953). Invitae Evidence Modeling of protein sequence and biophysical properties (such as structural, functional, and spatial information, amino acid conservation, physicochemical variation, residue mobility, and thermodynamic stability) indicates that this missense variant is not expected to disrupt SH3KBP1 protein function with a negative predictive value of 80%. In summary, the available evidence is currently insufficient to determine the role of this variant in disease. Therefore, it has been classified as a Variant of Uncertain Significance.

NM_031892.3(SH3KBP1):c.1482G>C (p.Gln494His)

Gene: SH3KBP1 (SH3 domain containing kinase binding protein 1; minus strand). Cytogenetic location: Xp22.12.
Variant type: single nucleotide variant.
Coding change: c.1482G>C on transcript NM_031892.3 (MANE Select); coding-DNA position 1482, G replaced by C.
Protein change: p.Gln494His; replaces glutamine 494 with histidine.
Molecular consequence: missense variant.
Genome position (GRCh38, 1-based): chrX:19,549,986, C>G on the plus strand (G>C on the coding strand, the complement: SH3KBP1 is on the minus strand). VCF-style: chrX-19549986-C-G. GRCh37 (hg19) VCF-style: chrX-19568104-C-G.
Other names: c.1371G>C, p.Gln457His (NM_001024666.3); c.768G>C, p.Gln256His (NM_001184960.2, NM_001353897.2); c.1482G>C, p.Gln494His (NM_001353890.2); c.1557G>C, p.Gln519His (NM_001353891.2, NM_001353892.2); c.1380G>C, p.Gln460His (NM_001353893.2, NM_001353894.2); c.1437G>C, p.Gln479His (NM_001353895.2); c.1614G>C, p.Gln538His (NM_001410756.1, NM_001410757.1); c.1305G>C, p.Gln435His (NM_001410758.1); short protein forms Q538H, Q460H, Q435H, Q457H, Q256H, Q479H, Q494H, Q519H.
Identifiers: ClinVar variation 3678953 (VCV003678953.2).